The following is an entry in ClinVar:

ClinVar aggregate classification (germline): Uncertain significance. Review status: criteria provided, multiple submitters, no conflicts (2 of 4 stars). 3 submissions from 3 submitters: Uncertain significance (2). 1 of the submissions does not count toward it. Last evaluated 2022-11-22.

Conditions:
Meckel-Gruber syndrome. Also called: DYSENCEPHALIA SPLANCHNOCYSTICA; GRUBER SYNDROME; Dysencephalia splachnocystica. Identifiers: Orphanet 564, MedGen C0265215, MONDO:0018921.
Joubert syndrome. Also called: CEREBELLOPARENCHYMAL DISORDER IV; JOUBERT-BOLTSHAUSER SYNDROME; Familial aplasia of the vermis. Identifiers: Orphanet 475, MedGen C5979921, MONDO:0018772.

Allele frequency attached by ClinVar (database versions not stated): gnomAD exomes below 0.00001; TOPMed below 0.00001; gnomAD 0.00001.
gnomAD v4.1: 2 of 1,612,894 alleles (0.00012%); highest among the groups gnomAD compares: Non-Finnish European, 0.00017%; no homozygotes.

Submissions (3):

Mayo Clinic Laboratories, Mayo Clinic
Classification: Uncertain significance. Last evaluated: 2022-11-22. Review status: criteria provided, single submitter. Criteria: ACMG Guidelines, 2015. Collection method: clinical testing. Allele origin: germline. Observed: 1 variant allele.
Comment: PM2_supporting

Labcorp Genetics (formerly Invitae), Labcorp
Classification: Uncertain significance for Joubert syndrome; Meckel-Gruber syndrome. Last evaluated: 2022-02-24. Review status: criteria provided, single submitter. Criteria: Invitae Variant Classification Sherloc (09022015). Collection method: clinical testing. Allele origin: germline.
Comment: This sequence change replaces proline, which is neutral and non-polar, with serine, which is neutral and polar, at codon 960 of the RPGRIP1L protein (p.Pro960Ser). This variant is not present in population databases (gnomAD no frequency). This variant has not been reported in the literature in individuals affected with RPGRIP1L-related conditions. ClinVar contains an entry for this variant (Variation ID: 861546). Algorithms developed to predict the effect of missense changes on protein structure and function (SIFT, PolyPhen-2, Align-GVGD) all suggest that this variant is likely to be disruptive. In summary, the available evidence is currently insufficient to determine the role of this variant in disease. Therefore, it has been classified as a Variant of Uncertain Significance.

Natera, Inc.
Classification: Uncertain significance for Joubert syndrome. Last evaluated: 2020-11-03. Review status: no assertion criteria provided. Collection method: clinical testing. Allele origin: germline. Not counted in ClinVar's aggregate classification.

NM_015272.5(RPGRIP1L):c.2878C>T (p.Pro960Ser)

Gene: RPGRIP1L (RPGRIP1 like; minus strand). Cytogenetic location: 16q12.2.
Variant type: single nucleotide variant.
Coding change: c.2878C>T on transcript NM_015272.5 (MANE Select); coding-DNA position 2878, C replaced by T.
Protein change: p.Pro960Ser; replaces proline 960 with serine.
Molecular consequence: missense variant.
Genome position (GRCh38, 1-based): chr16:53,641,113, G>A on the plus strand (C>T on the coding strand, the complement: RPGRIP1L is on the minus strand). VCF-style: chr16-53641113-G-A. GRCh37 (hg19) VCF-style: chr16-53675025-G-A.
Other names: p.Pro960Ser; c.2878C>T, p.Pro960Ser (NM_001127897.4, NM_001308334.3, NM_001330538.2); short protein forms P960S.
Identifiers: ClinVar variation 861546 (VCV000861546.9), dbSNP rs1187280209, ClinGen allele CA395927087.